The following is an entry in ClinVar:

NM_006904.7(PRKDC):c.3759G>A (p.Thr1253=)

Gene: PRKDC (protein kinase, DNA-activated, catalytic subunit; minus strand). Cytogenetic location: 8q11.21.
Variant type: single nucleotide variant.
Coding change: c.3759G>A on transcript NM_006904.7 (MANE Select); coding-DNA position 3759, G replaced by A.
Protein change: p.Thr1253=; no amino-acid change (threonine 1253 retained).
Molecular consequence: synonymous variant.
Genome position (GRCh38, 1-based): chr8:47,893,227, C>T on the plus strand (G>A on the coding strand, the complement: PRKDC is on the minus strand). VCF-style: chr8-47893227-C-T. GRCh37 (hg19) VCF-style: chr8-48805788-C-T.
Other names: c.3759G>A, p.Thr1253= (NM_001081640.2).
Identifiers: ClinVar variation 379764 (VCV000379764.13), dbSNP rs8178087, ClinGen allele CA4741099.

ClinVar aggregate classification (germline): Benign/Likely benign. Review status: criteria provided, multiple submitters, no conflicts (2 of 4 stars). 3 submissions from 3 submitters: Benign (1); Likely benign (2). Last evaluated 2026-02-01.

Conditions:
Severe combined immunodeficiency due to DNA-PKcs deficiency. Also called: Immunodeficiency 26 with or without neurologic abnormalities; IMMUNODEFICIENCY 26 WITH NEUROLOGIC ABNORMALITIES. Identifiers: Orphanet 317425, MedGen C4014833, MONDO:0014423, OMIM 615966.

Allele frequency attached by ClinVar (database versions not stated): gnomAD exomes 0.00556; ExAC 0.00695; gnomAD 0.02297 and 0.02475; 1000 Genomes Project 0.02316; ESP Exome Variant Server 0.02334; 1000 Genomes Project 30x 0.02530; TOPMed 0.02573.
gnomAD v4.1: 6,859 of 1,612,656 alleles (0.43%); highest among the groups gnomAD compares: African/African-American, 7.9%; 227 homozygotes.

Submissions (3):

Labcorp Genetics (formerly Invitae), Labcorp
Classification: Benign for Severe combined immunodeficiency due to DNA-PKcs deficiency. Last evaluated: 2026-02-01. Review status: criteria provided, single submitter. Criteria: Invitae Variant Classification Sherloc (09022015). Collection method: clinical testing. Allele origin: germline.

GeneDx
Classification: Likely benign. Last evaluated: 2016-07-06. Review status: criteria provided, single submitter. Criteria: GeneDx Variant Classification (06012015). Collection method: clinical testing. Allele origin: germline. Affected: yes.
Comment: This variant is considered likely benign or benign based on one or more of the following criteria: it is a conservative change, it occurs at a poorly conserved position in the protein, it is predicted to be benign by multiple in silico algorithms, and/or has population frequency not consistent with disease.

Breakthrough Genomics
Classification: Likely benign. Review status: criteria provided, single submitter. Criteria: ACMG Guidelines, 2015. Collection method: not provided. Allele origin: germline. Inheritance: Autosomal recessive inheritance. Affected: yes.